The following is an entry in ClinVar:

NM_000064.4(C3):c.3242A>G (p.Tyr1081Cys)

Gene: C3 (complement C3; minus strand). Cytogenetic location: 19p13.3.
Variant type: single nucleotide variant.
Coding change: c.3242A>G on transcript NM_000064.4 (MANE Select); coding-DNA position 3242, A replaced by G.
Protein change: p.Tyr1081Cys; replaces tyrosine 1081 with cysteine.
Molecular consequence: missense variant.
Genome position (GRCh38, 1-based): chr19:6,693,072, T>C on the plus strand (A>G on the coding strand, the complement: C3 is on the minus strand). VCF-style: chr19-6693072-T-C. GRCh37 (hg19) VCF-style: chr19-6693083-T-C.
Other names: short protein forms Y1081C.
Identifiers: ClinVar variation 1418783 (VCV001418783.7), dbSNP rs531259592, ClinGen allele CA304782814.

ClinVar aggregate classification (germline): Uncertain significance. Review status: criteria provided, multiple submitters, no conflicts (2 of 4 stars). 2 submissions from 2 submitters: Uncertain significance (2). Last evaluated 2025-01-01.

Conditions:
Atypical hemolytic-uremic syndrome with C3 anomaly. Also called: AHUS, SUSCEPTIBILITY TO, 5. Identifiers: Orphanet 2134, MedGen C2752037, MONDO:0013043, OMIM 612925.
Complement component 3 deficiency. Identifiers: Orphanet 280133, MedGen C3151071, MONDO:0013417, OMIM 613779.
Age related macular degeneration 9. Identifiers: MedGen C1969651, MONDO:0012659, OMIM 611378.

Allele frequency attached by ClinVar (database versions not stated): gnomAD 0.00001; TOPMed 0.00001.
gnomAD v4.1: 4 of 1,614,088 alleles (0.00025%); highest among the groups gnomAD compares: Admixed American, 0.0017%; no homozygotes.

Submissions (2):

Labcorp Genetics (formerly Invitae), Labcorp
Classification: Uncertain significance. Last evaluated: 2025-01-01. Review status: criteria provided, single submitter. Criteria: Invitae Variant Classification Sherloc (09022015). Collection method: clinical testing. Allele origin: germline.
Comment: This sequence change replaces tyrosine, which is neutral and polar, with cysteine, which is neutral and slightly polar, at codon 1081 of the C3 protein (p.Tyr1081Cys). This variant is not present in population databases (gnomAD no frequency). This variant has not been reported in the literature in individuals affected with C3-related conditions. ClinVar contains an entry for this variant (Variation ID: 1418783). Invitae Evidence Modeling of protein sequence and biophysical properties (such as structural, functional, and spatial information, amino acid conservation, physicochemical variation, residue mobility, and thermodynamic stability) indicates that this missense variant is expected to disrupt C3 protein function with a positive predictive value of 80%. In summary, the available evidence is currently insufficient to determine the role of this variant in disease. Therefore, it has been classified as a Variant of Uncertain Significance.

Fulgent Genetics
Classification: Uncertain significance for Age related macular degeneration 9; Atypical hemolytic-uremic syndrome with C3 anomaly; Complement component 3 deficiency. Last evaluated: 2022-01-18. Review status: criteria provided, single submitter. Criteria: ACMG Guidelines, 2015. Collection method: clinical testing. Allele origin: unknown.